The following is an entry in ClinVar:

ClinVar aggregate classification (germline): Likely benign. Review status: criteria provided, multiple submitters, no conflicts (2 of 4 stars). 3 submissions from 3 submitters: Likely benign (3). Last evaluated 2026-08-20.

Conditions:
GRM6-related disorder. Also called: GRM6-related condition.

Allele frequency attached by ClinVar (database versions not stated): TOPMed 0.00024; gnomAD exomes 0.00026 and 0.00057; ESP Exome Variant Server 0.00031; gnomAD 0.00046 and 0.00047; ExAC 0.00056; 1000 Genomes Project 0.00060; 1000 Genomes Project 30x 0.00078.
gnomAD v4.1: 444 of 1,612,886 alleles (0.028%); highest among the groups gnomAD compares: South Asian, 0.048%; 1 homozygote.

Submissions (3):

PreventionGenetics, part of Exact Sciences
Classification: Likely benign for GRM6-related condition. Last evaluated: 2026-08-20. Review status: criteria provided, single submitter. Criteria: ACMG Guidelines, 2015. Collection method: clinical testing. Allele origin: germline.
Comment: This variant is classified as likely benign based on ACMG/AMP sequence variant interpretation guidelines (Richards et al. 2015 PMID: 25741868, with internal and published modifications).

Labcorp Genetics (formerly Invitae), Labcorp
Classification: Likely benign. Last evaluated: 2025-12-27. Review status: criteria provided, single submitter. Criteria: Invitae Variant Classification Sherloc (09022015). Collection method: clinical testing. Allele origin: germline.

Blueprint Genetics
Classification: Likely benign. Last evaluated: 2024-08-01. Review status: criteria provided, single submitter. Criteria: ACMG Guidelines, 2015. Collection method: clinical testing. Allele origin: germline.

NM_000843.4(GRM6):c.1805C>T (p.Thr602Met)

Genes: GRM6 (glutamate metabotropic receptor 6; minus strand), ZNF454 (zinc finger protein 454; plus strand). Cytogenetic location: 5q35.3.
Variant type: single nucleotide variant.
Coding change: c.1805C>T on transcript NM_000843.4 (MANE Select); coding-DNA position 1805, C replaced by T.
Protein change: p.Thr602Met; replaces threonine 602 with methionine.
Molecular consequence: missense variant.
Genome position (GRCh38, 1-based): chr5:178,986,449, G>A on the plus strand (C>T on the coding strand, the complement: GRM6 is on the minus strand). VCF-style: chr5-178986449-G-A. GRCh37 (hg19) VCF-style: chr5-178413450-G-A.
Other names: c.1805C>T (NM_000843.3); short protein forms T602M.
Identifiers: ClinVar variation 1154600 (VCV001154600.11), dbSNP rs199513794, ClinGen allele CA3593927.